The following is an entry in ClinVar:

ClinVar aggregate classification (germline): Pathogenic (1 of 4 stars; one submission).

Conditions:
Brown-Vialetto-van Laere syndrome 2. Also called: SPINOCEREBELLAR ATAXIA WITH BLINDNESS AND DEAFNESS 2; Riboflavin transporter deficiency type 2. Identifiers: Orphanet 572543, Orphanet 97229, MedGen C3553538, MONDO:0013867, OMIM 614707.

Allele frequency attached by ClinVar (database versions not stated): TOPMed 0.00001; gnomAD 0.00001; gnomAD exomes 0.00001.

Submission:

Labcorp Genetics (formerly Invitae), Labcorp
Classification: Pathogenic for Brown-Vialetto-van Laere syndrome 2. Last evaluated: 2021-05-20. Review status: criteria provided, single submitter. Criteria: Invitae Variant Classification Sherloc (09022015). Collection method: clinical testing. Allele origin: germline.
Comment: For these reasons, this variant has been classified as Pathogenic. Loss-of-function variants in SLC52A2 are known to be pathogenic (PMID: 24253200). This variant has not been reported in the literature in individuals with SLC52A2-related disease. This variant is not present in population databases (ExAC no frequency). This sequence change creates a premature translational stop signal (p.Gln251*) in the SLC52A2 gene. It is expected to result in an absent or disrupted protein product.

Literature cited by the submitters: PubMed 24253200.

NM_001363118.2(SLC52A2):c.751C>T (p.Gln251Ter)

Gene: SLC52A2 (solute carrier family 52 member 2; plus strand). Cytogenetic location: 8q24.3.
Variant type: single nucleotide variant.
Coding change: c.751C>T on transcript NM_001363118.2 (MANE Select); coding-DNA position 751, C replaced by T.
Protein change: p.Gln251Ter; replaces glutamine 251 with a stop codon.
Molecular consequence: nonsense. On other transcripts: non-coding transcript variant (1).
Genome position (GRCh38, 1-based): chr8:144,360,243, C>T. VCF-style: chr8-144360243-C-T. GRCh37 (hg19) VCF-style: chr8-145583903-C-T.
Other names: c.751C>T, p.Gln251Ter (NM_001253815.2, NM_001253816.2, NM_001363120.2 and 2 more transcripts); c.259C>T, p.Gln87Ter (NM_001363122.2); short protein forms Q251*, Q87*.
Identifiers: ClinVar variation 660959 (VCV000660959.6), dbSNP rs1312209529, ClinGen allele CA372627820.